The following is an entry in ClinVar:

ClinVar aggregate classification (germline): Uncertain significance (1 of 4 stars; one submission).

gnomAD v4.1: 1 of 1,604,118 alleles (0.000062%); highest among the groups gnomAD compares: South Asian, 0.0011%; no homozygotes.

Submission:

Labcorp Genetics (formerly Invitae), Labcorp
Classification: Uncertain significance. Last evaluated: 2023-06-01. Review status: criteria provided, single submitter. Criteria: Invitae Variant Classification Sherloc (09022015). Collection method: clinical testing. Allele origin: germline.
Comment: In summary, the available evidence is currently insufficient to determine the role of this variant in disease. Therefore, it has been classified as a Variant of Uncertain Significance. Advanced modeling of protein sequence and biophysical properties (such as structural, functional, and spatial information, amino acid conservation, physicochemical variation, residue mobility, and thermodynamic stability) performed at Invitae indicates that this missense variant is not expected to disrupt PITPNM3 protein function. This variant has not been reported in the literature in individuals affected with PITPNM3-related conditions. This variant is not present in population databases (gnomAD no frequency). This sequence change replaces serine, which is neutral and polar, with arginine, which is basic and polar, at codon 907 of the PITPNM3 protein (p.Ser907Arg).

NM_031220.4(PITPNM3):c.2719A>C (p.Ser907Arg)

Gene: PITPNM3 (PITPNM family member 3; minus strand). Cytogenetic location: 17p13.2.
Variant type: single nucleotide variant.
Coding change: c.2719A>C on transcript NM_031220.4 (MANE Select); coding-DNA position 2719, A replaced by C.
Protein change: p.Ser907Arg; replaces serine 907 with arginine.
Molecular consequence: missense variant.
Genome position (GRCh38, 1-based): chr17:6,455,544, T>G on the plus strand (A>C on the coding strand, the complement: PITPNM3 is on the minus strand). VCF-style: chr17-6455544-T-G. GRCh37 (hg19) VCF-style: chr17-6358864-T-G.
Other names: c.2611A>C, p.Ser871Arg (NM_001165966.2); short protein forms S871R, S907R.
Identifiers: ClinVar variation 2840640 (VCV002840640.3), dbSNP rs1482062499, ClinGen allele CA397401104.
Genomic context (GRCh38, chr17:6,455,544, plus strand): 5'-TGGTTCTGCGCAGGTGGTTGCGCTTCCGCAGGAACTCTGGCTGCGCGTGCAGCCCGAAGC[T>G]GCCCTTGCGCAGGATCATGCGCGAGTTGTTCTTCTTTGGGCGTGAGCGGTGGCTGGCCTC-3'
Protein context (NP_112497.2, residues 897-917): NNSRMILRKG[Ser907Arg]FGLHAQPEFL